The following is an entry in ClinVar:

ClinVar aggregate classification (germline): Uncertain significance (1 of 4 stars; one submission).

Conditions:
Hereditary spastic paraplegia 39 (SPG39). Also called: Spastic Paraplegia Type 39 (SPG39); SPASTIC PARAPLEGIA 39, AUTOSOMAL RECESSIVE. Identifiers: Orphanet 139480, MedGen C2677586, MONDO:0012787, OMIM 612020.

Submission:

Labcorp Genetics (formerly Invitae), Labcorp
Classification: Uncertain significance for Hereditary spastic paraplegia 39. Last evaluated: 2025-07-07. Review status: criteria provided, single submitter. Criteria: Invitae Variant Classification Sherloc (09022015). Collection method: clinical testing. Allele origin: germline.
Comment: This sequence change replaces aspartic acid, which is acidic and polar, with glutamic acid, which is acidic and polar, at codon 329 of the PNPLA6 protein (p.Asp329Glu). This variant is not present in population databases (gnomAD no frequency). This variant has not been reported in the literature in individuals affected with PNPLA6-related conditions. ClinVar contains an entry for this variant (Variation ID: 1047813). Invitae Evidence Modeling of protein sequence and biophysical properties (such as structural, functional, and spatial information, amino acid conservation, physicochemical variation, residue mobility, and thermodynamic stability) indicates that this missense variant is not expected to disrupt PNPLA6 protein function with a negative predictive value of 80%. In summary, the available evidence is currently insufficient to determine the role of this variant in disease. Therefore, it has been classified as a Variant of Uncertain Significance.

NM_001166114.2(PNPLA6):c.1104C>G (p.Asp368Glu)

Gene: PNPLA6 (patatin like domain 6, lysophospholipase; plus strand). Cytogenetic location: 19p13.2.
Variant type: single nucleotide variant.
Coding change: c.1104C>G on transcript NM_001166114.2 (MANE Select); coding-DNA position 1104, C replaced by G.
Protein change: p.Asp368Glu; replaces aspartic acid 368 with glutamic acid.
Molecular consequence: missense variant.
Genome position (GRCh38, 1-based): chr19:7,541,620, C>G. VCF-style: chr19-7541620-C-G. GRCh37 (hg19) VCF-style: chr19-7606506-C-G.
Other names: c.1131C>G, p.Asp377Glu (NM_001166111.2); c.987C>G, p.Asp329Glu (NM_001166112.2, NM_001166113.1, NM_006702.5); short protein forms D368E, D377E, D329E.
Identifiers: ClinVar variation 1047813 (VCV001047813.9), dbSNP rs1490230776, ClinGen allele CA403109721.
Genomic context (GRCh38, chr19:7,541,620, plus strand): 5'-CCCAACTCGCACCAGCCCTGTGCGGGGCTCCAAGAGAATGGTCAGCACCTCAGCTACAGA[C>G]GAGCCCAGGGAGACCCCAGGGCGGCCACCCGATCCCACCGGGGCCCCGCTGCCTGGACCT-3'
Protein context (NP_001159586.1, residues 358-378): SKRMVSTSAT[Asp368Glu]EPRETPGRPP